The following is an entry in ClinVar:

NM_004415.4(DSP):c.7154G>A (p.Arg2385His)

Gene: DSP (desmoplakin; plus strand). Cytogenetic location: 6p24.3.
Variant type: single nucleotide variant.
Coding change: c.7154G>A on transcript NM_004415.4 (MANE Select); coding-DNA position 7154, G replaced by A.
Protein change: p.Arg2385His; replaces arginine 2385 with histidine.
Molecular consequence: missense variant.
Genome position (GRCh38, 1-based): chr6:7,584,416, G>A. VCF-style: chr6-7584416-G-A. GRCh37 (hg19) VCF-style: chr6-7584649-G-A.
Other names: c.7154G>A (LRG_423t1); c.5357G>A, p.Arg1786His (NM_001008844.3); c.5825G>A, p.Arg1942His (NM_001319034.2); short protein forms R2385H, R1942H, R1786H.
Identifiers: ClinVar variation 650884 (VCV000650884.10), dbSNP rs1396768987, ClinGen allele CA362692356.

ClinVar aggregate classification (germline): Conflicting classifications of pathogenicity. Review status: criteria provided, conflicting classifications (1 of 4 stars). 3 submissions from 3 submitters: Uncertain significance (2); Likely benign (1). Last evaluated 2026-01-13.

Conditions:
Cardiovascular phenotype. Identifiers: MedGen CN230736.
Cardiomyopathy (CMYO). Also called: Cardiomyopathies. Identifiers: Orphanet 167848, MedGen C0878544, MONDO:0004994, HP:0001638. Inheritance: Various modes of inheritance.
Arrhythmogenic cardiomyopathy with wooly hair and keratoderma. Also called: Arrhythmogenic cardiomyopathy with woolly hair and keratoderma; Carvajal syndrome; PALMOPLANTAR KERATODERMA WITH LEFT VENTRICULAR CARDIOMYOPATHY AND WOOLLY HAIR; Dilated cardiomyopathy with woolly hair and keratoderma. Identifiers: Orphanet 65282, MedGen C1854063, MONDO:0011581, OMIM 605676.
Arrhythmogenic right ventricular dysplasia 8 (ARVD8). Also called: Arrhythmogenic Right Ventricular Dysplasia/Cardiomyopathy 8; ARRHYTHMOGENIC RIGHT VENTRICULAR DYSPLASIA, FAMILIAL, 8; ARRHYTHMOGENIC RIGHT VENTRICULAR CARDIOMYOPATHY 8. Identifiers: MedGen C1843896, MONDO:0011831, OMIM 607450.

Allele frequency attached by ClinVar (database versions not stated): gnomAD exomes below 0.00001.
gnomAD v4.1: 5 of 1,614,172 alleles (0.00031%); highest among the groups gnomAD compares: East Asian, 0.0022%; no homozygotes.

Submissions (3):

Labcorp Genetics (formerly Invitae), Labcorp
Classification: Likely benign for Arrhythmogenic cardiomyopathy with wooly hair and keratoderma; Arrhythmogenic right ventricular dysplasia 8. Last evaluated: 2026-01-13. Review status: criteria provided, single submitter. Criteria: Invitae Variant Classification Sherloc (09022015). Collection method: clinical testing. Allele origin: germline.

Ambry Genetics
Classification: Uncertain significance for Cardiovascular phenotype. Last evaluated: 2025-10-06. Review status: criteria provided, single submitter. Criteria: Ambry Variant Classification Scheme 2023. Collection method: clinical testing. Allele origin: germline.
Comment: The p.R2385H variant (also known as c.7154G>A), located in coding exon 24 of the DSP gene, results from a G to A substitution at nucleotide position 7154. The arginine at codon 2385 is replaced by histidine, an amino acid with highly similar properties. This variant was reported in individual(s) with features consistent with DSP-related cardiomyopathy (Koutsofti C et al. Genes (Basel), 2024 Feb;15:). This amino acid position is highly conserved in available vertebrate species. In addition, this alteration is predicted to be deleterious by in silico analysis. Based on the available evidence, the clinical significance of this variant remains unclear.

Color Diagnostics, LLC DBA Color Health
Classification: Uncertain significance for Cardiomyopathy. Last evaluated: 2024-12-16. Review status: criteria provided, single submitter. Criteria: ACMG Guidelines, 2015. Collection method: clinical testing. Allele origin: germline.
Comment: This missense variant replaces arginine with histidine at codon 2385 of the DSP protein. Computational prediction is inconclusive regarding the impact of this variant on protein structure and function (internally defined REVEL score threshold 0.5 < inconclusive < 0.7, PMID: 27666373). To our knowledge, functional studies have not been reported for this variant. This variant has not been reported in individuals affected with DSP-related disorders in the literature but has been reported in an individual with hypertrophic cardiomyopathy (PMID: 38540378). This variant has been identified in 1/251422 chromosomes in the general population by the Genome Aggregation Database (gnomAD). The available evidence is insufficient to determine the role of this variant in disease conclusively. Therefore, this variant is classified as a Variant of Uncertain Significance.

Literature cited by the submitters: PubMed 38540378 (cited by Ambry Genetics and Color Diagnostics, LLC DBA Color Health).